The following is an entry in ClinVar:

NM_002641.4(PIGA):c.716-14C>G

Gene: PIGA (phosphatidylinositol glycan anchor biosynthesis class A; minus strand). Cytogenetic location: Xp22.2.
Variant type: single nucleotide variant.
Coding change: c.716-14C>G on transcript NM_002641.4 (MANE Select); 14 bases into the intron before coding-DNA position 716, C replaced by G.
Molecular consequence: intron variant.
Genome position (GRCh38, 1-based): chrX:15,326,060, G>C on the plus strand (C>G on the coding strand, the complement: PIGA is on the minus strand). VCF-style: chrX-15326060-G-C. GRCh37 (hg19) VCF-style: chrX-15344182-G-C.
Other names: c.14-14C>G (NM_020473.3).
Identifiers: ClinVar variation 510812 (VCV000510812.1), dbSNP rs1555944570, ClinGen allele CA658799615.

ClinVar aggregate classification (germline): Likely benign (1 of 4 stars; one submission).

Submission:

GeneDx
Classification: Likely benign. Last evaluated: 2017-07-10. Review status: criteria provided, single submitter. Criteria: GeneDx Variant Classification (06012015). Collection method: clinical testing. Allele origin: germline. Affected: yes.
Comment: This variant is considered likely benign or benign based on one or more of the following criteria: it is a conservative change, it occurs at a poorly conserved position in the protein, it is predicted to be benign by multiple in silico algorithms, and/or has population frequency not consistent with disease.